The following is an entry in ClinVar:

ClinVar aggregate classification (germline): Uncertain significance (1 of 4 stars; one submission).

Conditions:
Cardiovascular phenotype. Identifiers: MedGen CN230736.

Submission:

Ambry Genetics
Classification: Uncertain significance for Cardiovascular phenotype. Last evaluated: 2025-05-06. Review status: criteria provided, single submitter. Criteria: Ambry Variant Classification Scheme 2023. Collection method: clinical testing. Allele origin: germline.
Comment: The p.S490T variant (also known as c.1469G>C), located in coding exon 10 of the DSC2 gene, results from a G to C substitution at nucleotide position 1469. The serine at codon 490 is replaced by threonine, an amino acid with similar properties. This amino acid position is conserved. In addition, this alteration is predicted to be tolerated by in silico analysis. Based on the available evidence, the clinical significance of this variant remains unclear.

NM_024422.6(DSC2):c.1469G>C (p.Ser490Thr)

Gene: DSC2 (desmocollin 2; minus strand). Cytogenetic location: 18q12.1.
Variant type: single nucleotide variant.
Coding change: c.1469G>C on transcript NM_024422.6 (MANE Select); coding-DNA position 1469, G replaced by C.
Protein change: p.Ser490Thr; replaces serine 490 with threonine.
Molecular consequence: missense variant.
Genome position (GRCh38, 1-based): chr18:31,080,147, C>G on the plus strand (G>C on the coding strand, the complement: DSC2 is on the minus strand). VCF-style: chr18-31080147-C-G. GRCh37 (hg19) VCF-style: chr18-28660113-C-G.
Other names: c.1040G>C, p.Ser347Thr (NM_001406506.1, NM_001406507.1); c.1469G>C, p.Ser490Thr (NM_004949.5); short protein forms S490T, S347T.
Identifiers: ClinVar variation 4014906 (VCV004014906.1).